The following is an entry in ClinVar:

NM_001369.3(DNAH5):c.2774del (p.Thr924_Leu925insTer)

Genes: DNAH5 (dynein axonemal heavy chain 5; minus strand), DNAH5-AS1 (DNAH5 antisense RNA 1; plus strand). Cytogenetic location: 5p15.2.
Variant type: Deletion.
Coding change: c.2774del on transcript NM_001369.3 (MANE Select); coding-DNA position 2774, one base deleted (T; older notation c.2774delT).
Protein change: p.Thr924_Leu925insTer.
Molecular consequence: nonsense.
Genome position (GRCh38, 1-based): chr5:13,885,198, A deleted on the plus strand (T on the coding strand, the reverse complement: DNAH5 is on the minus strand); the first of 2 consecutive A bases (chr5:13,885,198-13,885,199); deleting either gives the same sequence. VCF-style (leftmost placement, unchanged base first): chr5-13885197-CA-C. GRCh37 (hg19) VCF-style: chr5-13885306-CA-C.
Identifiers: ClinVar variation 2808305 (VCV002808305.3), dbSNP rs2547038579, ClinGen allele CA2739274591.

ClinVar aggregate classification (germline): Pathogenic (1 of 4 stars; one submission).

Conditions:
Primary ciliary dyskinesia. Also called: Ciliary dyskinesia. Identifiers: Orphanet 244, MedGen C0008780, MONDO:0016575, HP:0012265.

Submission:

Labcorp Genetics (formerly Invitae), Labcorp
Classification: Pathogenic for Primary ciliary dyskinesia. Last evaluated: 2023-10-30. Review status: criteria provided, single submitter. Criteria: Invitae Variant Classification Sherloc (09022015). Collection method: clinical testing. Allele origin: germline.
Comment: This sequence change creates a premature translational stop signal (p.Leu925*) in the DNAH5 gene. It is expected to result in an absent or disrupted protein product. Loss-of-function variants in DNAH5 are known to be pathogenic (PMID: 11788826, 16627867). This variant is not present in population databases (gnomAD no frequency). This premature translational stop signal has been observed in individual(s) with clinical features of primary ciliary dyskinesia (PMID: 30067075). For these reasons, this variant has been classified as Pathogenic.

Literature cited by the submitters: PubMed 11788826; PubMed 16627867; PubMed 30067075.